The following is an entry in ClinVar:

NM_032043.3(BRIP1):c.2446T>G (p.Trp816Gly)

Gene: BRIP1 (BRCA1 interacting DNA helicase 1; minus strand). Cytogenetic location: 17q23.2.
Variant type: single nucleotide variant.
Coding change: c.2446T>G on transcript NM_032043.3 (MANE Select); coding-DNA position 2446, T replaced by G.
Protein change: p.Trp816Gly; replaces tryptophan 816 with glycine.
Molecular consequence: missense variant.
Genome position (GRCh38, 1-based): chr17:61,715,997, A>C on the plus strand (T>G on the coding strand, the complement: BRIP1 is on the minus strand). VCF-style: chr17-61715997-A-C. GRCh37 (hg19) VCF-style: chr17-59793358-A-C.
Other names: short protein forms W816G.
Identifiers: ClinVar variation 481632 (VCV000481632.8), dbSNP rs1338241931, ClinGen allele CA400479582.
Genomic context (GRCh38, chr17:61,715,997, plus strand): 5'-TTCACTCCACTTACCTACCAAGGGCCTGGTTTAAGGCCCTGTATGCTTGAATTTCATACC[A>C]CTGACGGCCAGGTAGAAGACCTCTCAATTTTGAATGGTGGTCATTGTATTGTCGTTTTAG-3'
Protein context (NP_114432.2, residues 806-826): KLRGLLPGRQ[Trp816Gly]YEIQAYRALN

ClinVar aggregate classification (germline): Uncertain significance. Review status: criteria provided, multiple submitters, no conflicts (2 of 4 stars). 2 submissions from 2 submitters: Uncertain significance (2). Last evaluated 2023-05-13.

Conditions:
Hereditary cancer-predisposing syndrome. Also called: Hereditary neoplastic syndrome; Neoplastic Syndromes, Hereditary; Tumor predisposition; Hereditary Cancer Syndrome. Identifiers: Orphanet 140162, MedGen C0027672, MeSH D009386, MONDO:0015356.
Fanconi anemia complementation group J. Also called: BRIP1-Related Fanconi Anemia. Identifiers: Orphanet 84, MedGen C1836860, MONDO:0012187, OMIM 609054.
Familial cancer of breast. Also called: BREAST CANCER, FAMILIAL; Hereditary breast cancer; hereditary breast carcinoma. Identifiers: Orphanet 227535, MedGen C0346153, MONDO:0016419, OMIM 114480. Disease mechanism: loss of function.

Allele frequency attached by ClinVar (database versions not stated): gnomAD exomes below 0.00001.
gnomAD v4.1: 1 of 1,609,034 alleles (0.000062%); highest among the groups gnomAD compares: South Asian, 0.0011%; no homozygotes.

Submissions (2):

Labcorp Genetics (formerly Invitae), Labcorp
Classification: Uncertain significance for Familial cancer of breast; Fanconi anemia complementation group J. Last evaluated: 2023-05-13. Review status: criteria provided, single submitter. Criteria: Invitae Variant Classification Sherloc (09022015). Collection method: clinical testing. Allele origin: germline.
Comment: In summary, the available evidence is currently insufficient to determine the role of this variant in disease. Therefore, it has been classified as a Variant of Uncertain Significance. Advanced modeling of protein sequence and biophysical properties (such as structural, functional, and spatial information, amino acid conservation, physicochemical variation, residue mobility, and thermodynamic stability) performed at Invitae indicates that this missense variant is expected to disrupt BRIP1 protein function. ClinVar contains an entry for this variant (Variation ID: 481632). This variant has not been reported in the literature in individuals affected with BRIP1-related conditions. This variant is present in population databases (no rsID available, gnomAD 0.003%). This sequence change replaces tryptophan, which is neutral and slightly polar, with glycine, which is neutral and non-polar, at codon 816 of the BRIP1 protein (p.Trp816Gly).

Ambry Genetics
Classification: Uncertain significance for Hereditary cancer-predisposing syndrome. Last evaluated: 2016-03-07. Review status: criteria provided, single submitter. Criteria: Ambry Variant Classification Scheme 2023. Collection method: clinical testing. Allele origin: germline.
Comment: The p.W816G variant (also known as c.2446T>G), located in coding exon 16 of the BRIP1 gene, results from a T to G substitution at nucleotide position 2446. The tryptophan at codon 816 is replaced by glycine, an amino acid with highly dissimilar properties. This variant was not reported in population based cohorts in the following databases: Database of Single Nucleotide Polymorphisms (dbSNP), NHLBI Exome Sequencing Project (ESP), and 1000 Genomes Project. In the ESP, this variant was not observed in 6503 samples (13006 alleles) with coverage at this position. To date, this alteration has been detected with an allele frequency of approximately 0.001% (greater than 120000 alleles tested) in our clinical cohort. This amino acid position is well conserved in available vertebrate species. In addition, this alteration is predicted to be deleterious by in silico analysis. Since supporting evidence is limited at this time, the clinical significance of this alteration remains unclear.